The following is an entry in ClinVar:

NM_001297.5(CNGB1):c.3585T>G (p.Ser1195=)

Gene: CNGB1 (cyclic nucleotide gated channel subunit beta 1; minus strand). Cytogenetic location: 16q21.
Variant type: single nucleotide variant.
Coding change: c.3585T>G on transcript NM_001297.5 (MANE Select); coding-DNA position 3585, T replaced by G.
Protein change: p.Ser1195=; no amino-acid change (serine 1195 retained).
Molecular consequence: synonymous variant.
Genome position (GRCh38, 1-based): chr16:57,884,335, A>C on the plus strand (T>G on the coding strand, the complement: CNGB1 is on the minus strand). VCF-style: chr16-57884335-A-C. GRCh37 (hg19) VCF-style: chr16-57918239-A-C.
Other names: c.3567T>G, p.Ser1189= (NM_001286130.2).
Identifiers: ClinVar variation 5039841 (VCV005039841.1).

ClinVar aggregate classification (germline): Likely benign (1 of 4 stars; one submission).

Submission:

CeGaT Center for Human Genetics Tuebingen
Classification: Likely benign. Last evaluated: 2026-08-01. Review status: criteria provided, single submitter. Criteria: CeGaT Center For Human Genetics Tuebingen Variant Classification Criteria Version 2. Collection method: clinical testing. Allele origin: germline. Affected: yes. Observed: 1 variant allele.
Comment: CNGB1: PM2:Supporting, BP4, BP7